The following is an entry in ClinVar:

NM_138927.4(SON):c.3823GTT[1] (p.Val1276del)

Gene: SON (SON DNA and RNA binding protein; plus strand). Cytogenetic location: 21q22.11.
Variant type: Microsatellite.
Coding change: c.3823GTT[1] on transcript NM_138927.4 (MANE Select); one copy of the 3-base unit GTT starting at c.3823; the reference has two copies in a row; one copy, 3 bases deleted.
Protein change: p.Val1276del; deletes valine 1276.
Molecular consequence: inframe deletion. On other transcripts: non-coding transcript variant (1), intron variant (1).
Genome position (GRCh38, 1-based): chr21:33,553,057-33,553,059, GTT deleted; deleting any 3 consecutive bases within chr21:33,553,054-33,553,059 gives the same sequence; the position shown is the placement nearest the transcript's 3' end. VCF-style (leftmost placement, unchanged base first): chr21-33553053-AGTT-A. GRCh37 (hg19) VCF-style: chr21-34925359-AGTT-A.
Other names: c.3823GTT[1], p.Val1276del (NM_001291411.2, NM_032195.3); c.245-4099_245-4097del (NM_001291412.3); short protein forms V1276del.
Identifiers: ClinVar variation 3903407 (VCV003903407.1).

ClinVar aggregate classification (germline): Uncertain significance (1 of 4 stars; one submission).

Submission:

GeneDx
Classification: Uncertain significance. Last evaluated: 2024-12-11. Review status: criteria provided, single submitter. Criteria: GeneDx Variant Classification Process June 2021. Collection method: clinical testing. Allele origin: germline. Affected: yes.
Comment: Not observed at significant frequency in large population cohorts (gnomAD); In-frame deletion of 1 amino acid(s) in a non-repeat region; In silico analysis indicates that this variant does not alter protein structure/function; Has not been previously published as pathogenic or benign to our knowledge